The following is an entry in ClinVar:

ClinVar aggregate classification (germline): Likely benign. Review status: criteria provided, single submitter (1 of 4 stars). 2 submissions from 2 submitters: Likely benign (1). 1 of the submissions does not count toward it. Last evaluated 2024-03-21.

Conditions:
SLC38A8-related disorder. Also called: SLC38A8-related condition.

Allele frequency attached by ClinVar (database versions not stated): ExAC 0.00007; gnomAD 0.00015; TOPMed 0.00023; ESP Exome Variant Server 0.00031.
gnomAD v4.1: 47 of 1,613,774 alleles (0.0029%); highest among the groups gnomAD compares: African/African-American, 0.045%; no homozygotes.

Submissions (2):

Labcorp Genetics (formerly Invitae), Labcorp
Classification: Likely benign. Last evaluated: 2024-03-21. Review status: criteria provided, single submitter. Criteria: Invitae Variant Classification Sherloc (09022015). Collection method: clinical testing. Allele origin: germline.

PreventionGenetics, part of Exact Sciences
Classification: Likely benign for SLC38A8-related condition. Last evaluated: 2019-05-03. Review status: no assertion criteria provided. Collection method: clinical testing. Allele origin: germline. Not counted in ClinVar's aggregate classification.
Comment: This variant is classified as likely benign based on ACMG/AMP sequence variant interpretation guidelines (Richards et al. 2015 PMID: 25741868, with internal and published modifications).

NM_001080442.3(SLC38A8):c.953+8C>G

Gene: SLC38A8 (solute carrier family 38 member 8; minus strand). Cytogenetic location: 16q23.3.
Variant type: single nucleotide variant.
Coding change: c.953+8C>G on transcript NM_001080442.3 (MANE Select); 8 bases into the intron after coding-DNA position 953, C replaced by G.
Molecular consequence: intron variant.
Genome position (GRCh38, 1-based): chr16:84,017,132, G>C on the plus strand (C>G on the coding strand, the complement: SLC38A8 is on the minus strand). VCF-style: chr16-84017132-G-C. GRCh37 (hg19) VCF-style: chr16-84050737-G-C.
Other names: c.953+8C>G (NM_001080442.2).
Identifiers: ClinVar variation 2720279 (VCV002720279.5), dbSNP rs372806651, ClinGen allele CA8199905.